The following is an entry in ClinVar:

ClinVar aggregate classification (germline): Uncertain significance (1 of 4 stars; one submission).

Allele frequency attached by ClinVar (database versions not stated): gnomAD exomes below 0.00001 and 0.00001; TOPMed 0.00003; gnomAD 0.00004; ESP Exome Variant Server 0.00008.

Submission:

Labcorp Genetics (formerly Invitae), Labcorp
Classification: Uncertain significance. Last evaluated: 2021-08-28. Review status: criteria provided, single submitter. Criteria: Invitae Variant Classification Sherloc (09022015). Collection method: clinical testing. Allele origin: germline.
Comment: In summary, the available evidence is currently insufficient to determine the role of this variant in disease. Therefore, it has been classified as a Variant of Uncertain Significance. This sequence change replaces histidine with arginine at codon 831 of the TAOK2 protein (p.His831Arg). The histidine residue is weakly conserved and there is a small physicochemical difference between histidine and arginine. This variant is not present in population databases (ExAC no frequency). This variant has not been reported in the literature in individuals affected with TAOK2-related conditions. Algorithms developed to predict the effect of missense changes on protein structure and function output the following: SIFT: "Tolerated"; PolyPhen-2: "Benign"; Align-GVGD: "Class C0". The arginine amino acid residue is found in multiple mammalian species, which suggests that this missense change does not adversely affect protein function.

NM_016151.4(TAOK2):c.2492A>G (p.His831Arg)

Gene: TAOK2 (TAO kinase 2; plus strand). Cytogenetic location: 16p11.2.
Variant type: single nucleotide variant.
Coding change: c.2492A>G on transcript NM_016151.4 (MANE Select); coding-DNA position 2492, A replaced by G.
Protein change: p.His831Arg; replaces histidine 831 with arginine.
Molecular consequence: missense variant. On other transcripts: intron variant (2).
Genome position (GRCh38, 1-based): chr16:29,986,764, A>G. VCF-style: chr16-29986764-A-G. GRCh37 (hg19) VCF-style: chr16-29998085-A-G.
Other names: c.2232+260A>G (NM_004783.4); c.2233-80A>G (NM_001252043.2); short protein forms H831R.
Identifiers: ClinVar variation 1464177 (VCV001464177.6), dbSNP rs74854860, ClinGen allele CA280398870.
Genomic context (GRCh38, chr16:29,986,764, plus strand): 5'-CCAAGCAGCAGAGGATTCTGGGGGAAGAATCAGGAGCCCCTAGTCCCAGTCCACAAAAAC[A>G]TGGGAGCCTGGTTGATGAGGAAGTTTGGGGTCTGCCTGAGGAGATAGAGGAGCTTAGGGT-3'
Protein context (NP_057235.2, residues 821-841): SGAPSPSPQK[His831Arg]GSLVDEEVWG